The following is an entry in ClinVar:

ClinVar aggregate classification (germline): Uncertain significance. Review status: criteria provided, multiple submitters, no conflicts (2 of 4 stars). 2 submissions from 2 submitters: Uncertain significance (2). Last evaluated 2024-11-20.

Conditions:
MHC class I deficiency. Identifiers: Orphanet 34592, MedGen C6024714, MONDO:0011476.

Allele frequency attached by ClinVar (database versions not stated): gnomAD exomes 0.00003; ExAC 0.00004; gnomAD 0.00004; TOPMed 0.00005.
gnomAD v4.1: 79 of 1,602,094 alleles (0.0049%); highest among the groups gnomAD compares: Non-Finnish European, 0.0061%; no homozygotes.

Submissions (2):

Ambry Genetics
Classification: Uncertain significance. Last evaluated: 2024-11-20. Review status: criteria provided, single submitter. Criteria: Ambry Variant Classification Scheme 2023. Collection method: clinical testing. Allele origin: germline.

Labcorp Genetics (formerly Invitae), Labcorp
Classification: Uncertain significance for MHC class I deficiency 1. Last evaluated: 2023-12-11. Review status: criteria provided, single submitter. Criteria: Invitae Variant Classification Sherloc (09022015). Collection method: clinical testing. Allele origin: germline.
Comment: This sequence change replaces alanine, which is neutral and non-polar, with glutamic acid, which is acidic and polar, at codon 309 of the TAPBP protein (p.Ala309Glu). The frequency data for this variant in the population databases is considered unreliable, as metrics indicate poor data quality at this position in the gnomAD database. This variant has not been reported in the literature in individuals affected with TAPBP-related conditions. ClinVar contains an entry for this variant (Variation ID: 1004402). An algorithm developed to predict the effect of missense changes on protein structure and function (PolyPhen-2) suggests that this variant is likely to be disruptive. In summary, the available evidence is currently insufficient to determine the role of this variant in disease. Therefore, it has been classified as a Variant of Uncertain Significance.

NM_003190.5(TAPBP):c.926C>A (p.Ala309Glu)

Gene: TAPBP (TAP binding protein; minus strand). Cytogenetic location: 6p21.32.
Variant type: single nucleotide variant.
Coding change: c.926C>A on transcript NM_003190.5 (MANE Select); coding-DNA position 926, C replaced by A.
Protein change: p.Ala309Glu; replaces alanine 309 with glutamic acid.
Molecular consequence: missense variant.
Genome position (GRCh38, 1-based): chr6:33,304,581, G>T on the plus strand (C>A on the coding strand, the complement: TAPBP is on the minus strand). VCF-style: chr6-33304581-G-T. GRCh37 (hg19) VCF-style: chr6-33272358-G-T.
Other names: c.926C>A, p.Ala309Glu (NM_172208.3); c.665C>A, p.Ala222Glu (NM_172209.3); c.926C>A (NM_003190.4); short protein forms A222E, A309E.
Identifiers: ClinVar variation 1004402 (VCV001004402.9), dbSNP rs772473192, ClinGen allele CA3755762.